The following is an entry in ClinVar:

ClinVar aggregate classification (germline): Likely benign (1 of 4 stars; one submission).

Conditions:
BBS4-related disorder. Also called: BBS4-related condition.

Submission:

PreventionGenetics, part of Exact Sciences
Classification: Likely benign for BBS4-related condition. Last evaluated: 2025-06-07. Review status: criteria provided, single submitter. Criteria: ACMG Guidelines, 2015. Collection method: clinical testing. Allele origin: germline.
Comment: This variant is classified as likely benign based on ACMG/AMP sequence variant interpretation guidelines (Richards et al. 2015 PMID: 25741868, with internal and published modifications).

NM_033028.5(BBS4):c.77-216A>G

Gene: BBS4 (Bardet-Biedl syndrome 4; plus strand). Cytogenetic location: 15q24.1.
Variant type: single nucleotide variant.
Coding change: c.77-216A>G on transcript NM_033028.5 (MANE Select); 216 bases into the intron before coding-DNA position 77, A replaced by G.
Molecular consequence: intron variant.
Genome position (GRCh38, 1-based): chr15:72,709,484, A>G. VCF-style: chr15-72709484-A-G. GRCh37 (hg19) VCF-style: chr15-73001825-A-G.
Other names: c.77-216A>G (NM_001320665.2); c.-445-216A>G (NM_001252678.2).
Identifiers: ClinVar variation 4981221 (VCV004981221.1).